The following is an entry in ClinVar:

ClinVar aggregate classification (germline): Uncertain significance. Review status: criteria provided, multiple submitters, no conflicts (2 of 4 stars). 3 submissions from 3 submitters: Uncertain significance (3). Last evaluated 2024-07-12.

Conditions:
Neuropathy, hereditary sensory and autonomic, type 1C. Also called: HSAN IC; HSN IC. Identifiers: Orphanet 36386, MedGen C3150896, MONDO:0013337, OMIM 613640.

Allele frequency attached by ClinVar (database versions not stated): gnomAD exomes below 0.00001.
gnomAD v4.1: 1 of 1,614,136 alleles (0.000062%); highest among the groups gnomAD compares: Non-Finnish European, 0.000085%; no homozygotes.

Submissions (3):

ARUP Laboratories, Molecular Genetics and Genomics, ARUP Laboratories
Classification: Uncertain significance for Neuropathy, hereditary sensory and autonomic, type 1C. Last evaluated: 2024-07-12. Review status: criteria provided, single submitter. Criteria: ARUP Molecular Germline Variant Investigation Process 2024. Collection method: clinical testing. Allele origin: germline.
Comment: The SPTLC2 c.1009T>C; p.Tyr337His variant (rs2079578053), to our knowledge, is not reported in the medical literature but is reported in ClinVar (Variation ID: 930500). This variant is absent from the Genome Aggregation Database (v2.1.1), indicating it is not a common polymorphism. Computational analyses predict that this variant is deleterious (REVEL: 0.923). Due to limited information, the clinical significance of this variant is uncertain at this time.

Labcorp Genetics (formerly Invitae), Labcorp
Classification: Uncertain significance for Neuropathy, hereditary sensory and autonomic, type 1C. Last evaluated: 2022-09-20. Review status: criteria provided, single submitter. Criteria: Invitae Variant Classification Sherloc (09022015). Collection method: clinical testing. Allele origin: germline.
Comment: In summary, the available evidence is currently insufficient to determine the role of this variant in disease. Therefore, it has been classified as a Variant of Uncertain Significance. Advanced modeling of protein sequence and biophysical properties (such as structural, functional, and spatial information, amino acid conservation, physicochemical variation, residue mobility, and thermodynamic stability) performed at Invitae indicates that this missense variant is not expected to disrupt SPTLC2 protein function. ClinVar contains an entry for this variant (Variation ID: 930500). This variant has not been reported in the literature in individuals affected with SPTLC2-related conditions. This variant is not present in population databases (gnomAD no frequency). This sequence change replaces tyrosine, which is neutral and polar, with histidine, which is basic and polar, at codon 337 of the SPTLC2 protein (p.Tyr337His).

Centre for Mendelian Genomics, University Medical Centre Ljubljana
Classification: Uncertain significance for Neuropathy, hereditary sensory and autonomic, type 1C. Last evaluated: 2016-01-01. Review status: criteria provided, single submitter. Criteria: ACMG Guidelines, 2015. Collection method: clinical testing. Allele origin: unknown. Affected: yes.
Comment: This variant was classified as: Uncertain significance.

NM_004863.4(SPTLC2):c.1009T>C (p.Tyr337His)

Gene: SPTLC2 (serine palmitoyltransferase long chain base subunit 2; minus strand). Cytogenetic location: 14q24.3.
Variant type: single nucleotide variant.
Coding change: c.1009T>C on transcript NM_004863.4 (MANE Select); coding-DNA position 1009, T replaced by C.
Protein change: p.Tyr337His; replaces tyrosine 337 with histidine.
Molecular consequence: missense variant.
Genome position (GRCh38, 1-based): chr14:77,555,467, A>G on the plus strand (T>C on the coding strand, the complement: SPTLC2 is on the minus strand). VCF-style: chr14-77555467-A-G. GRCh37 (hg19) VCF-style: chr14-78021810-A-G.
Other names: short protein forms Y337H.
Identifiers: ClinVar variation 930500 (VCV000930500.12), dbSNP rs2079578053, ClinGen allele CA390709048.